The following is an entry in ClinVar:

NM_001085049.3(MRAS):c.38C>T (p.Thr13Ile)

Gene: MRAS (muscle RAS oncogene homolog; plus strand). Cytogenetic location: 3q22.3.
Variant type: single nucleotide variant.
Coding change: c.38C>T on transcript NM_001085049.3 (MANE Select); coding-DNA position 38, C replaced by T.
Protein change: p.Thr13Ile; replaces threonine 13 with isoleucine.
Molecular consequence: missense variant. On other transcripts: intron variant (3).
Genome position (GRCh38, 1-based): chr3:138,372,921, C>T. VCF-style: chr3-138372921-C-T. GRCh37 (hg19) VCF-style: chr3-138091763-C-T.
Other names: c.38C>T, p.Thr13Ile (NM_001252090.2, NM_012219.4); c.-35-24403C>T (NM_001252091.1); c.-36+24154C>T (NM_001252093.2); c.-36+23889C>T (NM_001252092.2); short protein forms T13I.
Identifiers: ClinVar variation 2864550 (VCV002864550.4), dbSNP rs2474072068, ClinGen allele CA354671365.

ClinVar aggregate classification (germline): Uncertain significance. Review status: criteria provided, multiple submitters, no conflicts (2 of 4 stars). 2 submissions from 2 submitters: Uncertain significance (2). Last evaluated 2024-10-28.

Submissions (2):

Labcorp Genetics (formerly Invitae), Labcorp
Classification: Uncertain significance. Last evaluated: 2024-10-28. Review status: criteria provided, single submitter. Criteria: Invitae Variant Classification Sherloc (09022015). Collection method: clinical testing. Allele origin: germline.
Comment: This sequence change replaces threonine, which is neutral and polar, with isoleucine, which is neutral and non-polar, at codon 13 of the MRAS protein (p.Thr13Ile). This variant is not present in population databases (gnomAD no frequency). This variant has not been reported in the literature in individuals affected with MRAS-related conditions. An algorithm developed to predict the effect of missense changes on protein structure and function (PolyPhen-2) suggests that this variant is likely to be tolerated. In summary, the available evidence is currently insufficient to determine the role of this variant in disease. Therefore, it has been classified as a Variant of Uncertain Significance.

GeneDx
Classification: Uncertain significance. Last evaluated: 2024-09-24. Review status: criteria provided, single submitter. Criteria: GeneDx Variant Classification Process June 2021. Collection method: clinical testing. Allele origin: germline. Affected: yes.
Comment: Not observed at significant frequency in large population cohorts (gnomAD); In silico analysis supports that this missense variant has a deleterious effect on protein structure/function; Has not been previously published as pathogenic or benign to our knowledge